The following is an entry in ClinVar:

ClinVar aggregate classification (germline): Uncertain significance (1 of 4 stars; one submission).

Conditions:
Neuroblastoma, susceptibility to, 3. Also called: ALK-Related Neuroblastic Tumor Susceptibility. Identifiers: Orphanet 635, MedGen C2751681, MONDO:0013083, OMIM 613014.

gnomAD v4.1: 4 of 1,608,498 alleles (0.00025%); highest among the groups gnomAD compares: South Asian, 0.0044%; no homozygotes.

Submission:

Labcorp Genetics (formerly Invitae), Labcorp
Classification: Uncertain significance for Neuroblastoma, susceptibility to, 3. Last evaluated: 2021-02-12. Review status: criteria provided, single submitter. Criteria: Invitae Variant Classification Sherloc (09022015). Collection method: clinical testing. Allele origin: germline.
Comment: This sequence change replaces alanine with aspartic acid at codon 1458 of the ALK protein (p.Ala1458Asp). The alanine residue is moderately conserved and there is a moderate physicochemical difference between alanine and aspartic acid. This variant is present in population databases (rs774448761, ExAC 0.009%). This variant has not been reported in the literature in individuals with ALK-related conditions. Algorithms developed to predict the effect of missense changes on protein structure and function are either unavailable or do not agree on the potential impact of this missense change (SIFT: "Deleterious"; PolyPhen-2: "Benign"; Align-GVGD: "Class C0"). In summary, the available evidence is currently insufficient to determine the role of this variant in disease. Therefore, it has been classified as a Variant of Uncertain Significance.

NM_004304.5(ALK):c.4373C>A (p.Ala1458Asp)

Gene: ALK (ALK receptor tyrosine kinase; minus strand). Cytogenetic location: 2p23.2.
Variant type: single nucleotide variant.
Coding change: c.4373C>A on transcript NM_004304.5 (MANE Select); coding-DNA position 4373, C replaced by A.
Protein change: p.Ala1458Asp; replaces alanine 1458 with aspartic acid.
Molecular consequence: missense variant.
Genome position (GRCh38, 1-based): chr2:29,193,714, G>T on the plus strand (C>A on the coding strand, the complement: ALK is on the minus strand). VCF-style: chr2-29193714-G-T. GRCh37 (hg19) VCF-style: chr2-29416580-G-T.
Other names: c.1169C>A, p.Ala390Asp (NM_001353765.2); short protein forms A1458D, A390D.
Identifiers: ClinVar variation 1509148 (VCV001509148.8), dbSNP rs774448761, ClinGen allele CA1593589.
Genomic context (GRCh38, chr2:29,193,714, plus strand): 5'-ATATTCACGTGTCCCCCTTCCACGGCCGGCCCTCTAGGGACTCGAACAGAGATCTCTGCA[G>T]CTGTGGGTTTCTTTGCAGCCTTGCCAGAGGAGGTGGTAGGCAGAGGTGGTGGGGCAGCTG-3'
Protein context (NP_004295.2, residues 1448-1468): SSGKAAKKPT[Ala1458Asp]AEISVRVPRG